The following is an entry in ClinVar:

ClinVar aggregate classification (germline): Likely benign. Review status: criteria provided, multiple submitters, no conflicts (2 of 4 stars). 2 submissions from 2 submitters: Likely benign (2). Last evaluated 2025-12-13.

Allele frequency attached by ClinVar (database versions not stated): gnomAD 0.00001; TOPMed 0.00001; ExAC 0.00004; gnomAD exomes 0.00004.
gnomAD v4.1: 24 of 1,613,850 alleles (0.0015%); highest among the groups gnomAD compares: South Asian, 0.011%; no homozygotes.

Submissions (2):

Labcorp Genetics (formerly Invitae), Labcorp
Classification: Likely benign. Last evaluated: 2025-12-13. Review status: criteria provided, single submitter. Criteria: Invitae Variant Classification Sherloc (09022015). Collection method: clinical testing. Allele origin: germline.

Laboratory for Molecular Medicine, Mass General Brigham Personalized Medicine
Classification: Likely benign. Last evaluated: 2012-08-30. Review status: criteria provided, single submitter. Criteria: LMM Criteria. Collection method: clinical testing. Allele origin: germline. Observed: 1 variant allele.
Comment: Thr99Thr in exon 3 of SLC26A4: This variant is not expected to have clinical sig nificance because it does not alter an amino acid residue and is not located wit hin the splice consensus sequence.

NM_000441.2(SLC26A4):c.297G>A (p.Thr99=)

Gene: SLC26A4 (solute carrier family 26 member 4; plus strand). Cytogenetic location: 7q22.3.
Variant type: single nucleotide variant.
Coding change: c.297G>A on transcript NM_000441.2 (MANE Select); coding-DNA position 297, G replaced by A.
Protein change: p.Thr99=; no amino-acid change (threonine 99 retained).
Molecular consequence: synonymous variant.
Genome position (GRCh38, 1-based): chr7:107,663,428, G>A. VCF-style: chr7-107663428-G-A. GRCh37 (hg19) VCF-style: chr7-107303873-G-A.
Identifiers: ClinVar variation 43552 (VCV000043552.13), dbSNP rs397516429, ClinGen allele CA132723.